The following is an entry in ClinVar:

NM_175607.3(CNTN4):c.2787T>C (p.Asn929=)

Genes: CNTN4 (contactin 4; plus strand), CNTN4-AS1 (CNTN4 antisense RNA 1; minus strand). Cytogenetic location: 3p26.2.
Variant type: single nucleotide variant.
Coding change: c.2787T>C on transcript NM_175607.3 (MANE Select); coding-DNA position 2787, T replaced by C.
Protein change: p.Asn929=; no amino-acid change (asparagine 929 retained).
Molecular consequence: synonymous variant.
Genome position (GRCh38, 1-based): chr3:3,043,680, T>C. VCF-style: chr3-3043680-T-C. GRCh37 (hg19) VCF-style: chr3-3085364-T-C.
Other names: c.2787T>C, p.Asn929= (NM_001206955.2, NM_001350095.2); c.1800T>C, p.Asn600= (NM_001206956.2); c.1803T>C, p.Asn601= (NM_175613.3).
Identifiers: ClinVar variation 2653443 (VCV002653443.24), dbSNP rs776848769, ClinGen allele CA2227832.

ClinVar aggregate classification (germline): Likely benign (1 of 4 stars; one submission).

Allele frequency attached by ClinVar (database versions not stated): gnomAD 0.00003; TOPMed 0.00003; ExAC 0.00008.
gnomAD v4.1: 74 of 1,613,440 alleles (0.0046%); highest among the groups gnomAD compares: Middle Eastern, 0.083%; no homozygotes.

Submission:

CeGaT Center for Human Genetics Tuebingen
Classification: Likely benign. Last evaluated: 2022-04-01. Review status: criteria provided, single submitter. Criteria: CeGaT Center For Human Genetics Tuebingen Variant Classification Criteria Version 2. Collection method: clinical testing. Allele origin: germline. Affected: yes. Observed: 1 variant allele.
Comment: CNTN4: BP4, BP7